The following is an entry in ClinVar:

NM_173630.4(RTTN):c.1055C>T (p.Ser352Leu)

Gene: RTTN (rotatin; minus strand). Cytogenetic location: 18q22.2.
Variant type: single nucleotide variant.
Coding change: c.1055C>T on transcript NM_173630.4 (MANE Select); coding-DNA position 1055, C replaced by T.
Protein change: p.Ser352Leu; replaces serine 352 with leucine.
Molecular consequence: missense variant. On other transcripts: 5 prime UTR variant (1).
Genome position (GRCh38, 1-based): chr18:70,190,672, G>A on the plus strand (C>T on the coding strand, the complement: RTTN is on the minus strand). VCF-style: chr18-70190672-G-A. GRCh37 (hg19) VCF-style: chr18-67857908-G-A.
Other names: c.-1499C>T (NM_001318520.2); short protein forms S352L.
Identifiers: ClinVar variation 3373673 (VCV003373673.2).
Genomic context (GRCh38, chr18:70,190,672, plus strand): 5'-AGTTCCAATGTGTCTTCAGTTTCCAGCTCTGGCAGATCTATGTGTCCCATATCCAAAGGT[G>A]AATGAACGGATATCCTGGAGTTTACATGAGCATGACTACTACTTCCACTGCAAGATAAAC-3'
Protein context (NP_775901.3, residues 342-362): AHVNSRISVH[Ser352Leu]PLDMGHIDLP

ClinVar aggregate classification (germline): Uncertain significance (1 of 4 stars; one submission).

gnomAD v4.1: 57 of 1,612,948 alleles (0.0035%); highest among the groups gnomAD compares: Non-Finnish European, 0.0047%; no homozygotes.

Submission:

GeneDx
Classification: Uncertain significance. Last evaluated: 2025-08-29. Review status: criteria provided, single submitter. Criteria: GeneDx Variant Classification Process June 2021. Collection method: clinical testing. Allele origin: germline. Affected: yes.
Comment: Not observed at significant frequency in large population cohorts (gnomAD); In silico analysis suggests that this missense variant does not alter protein structure/function; Has not been previously published as pathogenic or benign to our knowledge